The following is an entry in ClinVar:

NM_000051.4(ATM):c.4292A>T (p.Asn1431Ile)

Gene: ATM (ATM serine/threonine kinase; plus strand). Cytogenetic location: 11q22.3.
Variant type: single nucleotide variant.
Coding change: c.4292A>T on transcript NM_000051.4 (MANE Select); coding-DNA position 4292, A replaced by T.
Protein change: p.Asn1431Ile; replaces asparagine 1431 with isoleucine.
Molecular consequence: missense variant.
Genome position (GRCh38, 1-based): chr11:108,289,657, A>T. VCF-style: chr11-108289657-A-T. GRCh37 (hg19) VCF-style: chr11-108160384-A-T.
Other names: c.4292A>T, p.Asn1431Ile (NM_001351834.2); short protein forms N1431I.
Identifiers: ClinVar variation 1739450 (VCV001739450.2), dbSNP rs201356803, ClinGen allele CA382531471.

ClinVar aggregate classification (germline): Uncertain significance (1 of 4 stars; one submission).

Conditions:
Hereditary cancer-predisposing syndrome. Also called: Hereditary Cancer Syndrome; Hereditary neoplastic syndrome; Neoplastic Syndromes, Hereditary; Tumor predisposition. Identifiers: Orphanet 140162, MedGen C0027672, MeSH D009386, MONDO:0015356.

Submission:

Ambry Genetics
Classification: Uncertain significance for Hereditary cancer-predisposing syndrome. Last evaluated: 2020-02-26. Review status: criteria provided, single submitter. Criteria: Ambry Variant Classification Scheme 2023. Collection method: clinical testing. Allele origin: germline.
Comment: The p.N1431I variant (also known as c.4292A>T), located in coding exon 28 of the ATM gene, results from an A to T substitution at nucleotide position 4292. The asparagine at codon 1431 is replaced by isoleucine, an amino acid with dissimilar properties. This amino acid position is highly conserved in available vertebrate species. In addition, the in silico prediction for this alteration is inconclusive. Since supporting evidence is limited at this time, the clinical significance of this alteration remains unclear.